The following is an entry in ClinVar:

NM_001040142.2(SCN2A):c.106A>G (p.Arg36Gly)

Gene: SCN2A (sodium voltage-gated channel alpha subunit 2; plus strand). Cytogenetic location: 2q24.3.
Variant type: single nucleotide variant.
Coding change: c.106A>G on transcript NM_001040142.2 (MANE Select); coding-DNA position 106, A replaced by G.
Protein change: p.Arg36Gly; replaces arginine 36 with glycine.
Molecular consequence: missense variant.
Genome position (GRCh38, 1-based): chr2:165,295,929, A>G. VCF-style: chr2-165295929-A-G. GRCh37 (hg19) VCF-style: chr2-166152439-A-G.
Other names: p.R36G:AGA>GGA; c.106A>G, p.Arg36Gly (NM_001040143.2, NM_001371246.1, NM_001371247.1 and 1 more transcripts); short protein forms R36G.
Identifiers: ClinVar variation 207035 (VCV000207035.10), dbSNP rs796053167, ClinGen allele CA318066.

ClinVar aggregate classification (germline): Uncertain significance. Review status: criteria provided, multiple submitters, no conflicts (2 of 4 stars). 3 submissions from 3 submitters: Uncertain significance (3). Last evaluated 2025-06-07.

Conditions:
Seizures, benign familial infantile, 3 (BFIS3). Also called: CONVULSIONS, BENIGN FAMILIAL INFANTILE, 3; Familial neonatal seizures. Identifiers: Orphanet 140927, Orphanet 306, MedGen C1843140, MONDO:0011904, OMIM 607745.
Developmental and epileptic encephalopathy, 11 (DEE11). Also called: Early infantile epileptic encephalopathy 11. Identifiers: Orphanet 1934, MedGen C3150987, MONDO:0013388, OMIM 613721.
Complex neurodevelopmental disorder. Identifiers: Orphanet 528084, MedGen C5568766, MONDO:0100038.

Allele frequency attached by ClinVar (database versions not stated): gnomAD exomes below 0.00001; TOPMed below 0.00001.
gnomAD v4.1: 10 of 1,614,202 alleles (0.00062%); highest among the groups gnomAD compares: Non-Finnish European, 0.00076%; no homozygotes.

Submissions (3):

GeneDx
Classification: Uncertain significance. Last evaluated: 2025-06-07. Review status: criteria provided, single submitter. Criteria: GeneDx Variant Classification Process June 2021. Collection method: clinical testing. Allele origin: germline. Affected: yes.
Comment: Reported as a maternally inherited variant in two unrelated patients with benign familial neonatal seizures (PMID: 28379373); Reported previously in a patient with neonatal seizures, however information about parental testing was not provided (PMID: 30619928); Not observed at significant frequency in large population cohorts (gnomAD); This substitution is predicted to be within the N-terminal cytoplasmic domain; In silico analysis supports that this missense variant has a deleterious effect on protein structure/function; This variant is associated with the following publications: (PMID: 33731876, 35637276, 28379373, 30619928)

Labcorp Genetics (formerly Invitae), Labcorp
Classification: Uncertain significance for Seizures, benign familial infantile, 3; Developmental and epileptic encephalopathy, 11. Last evaluated: 2024-07-01. Review status: criteria provided, single submitter. Criteria: Invitae Variant Classification Sherloc (09022015). Collection method: clinical testing. Allele origin: germline.
Comment: This sequence change replaces arginine, which is basic and polar, with glycine, which is neutral and non-polar, at codon 36 of the SCN2A protein (p.Arg36Gly). This variant is present in population databases (rs796053167, gnomAD 0.0009%). This missense change has been observed in individuals with early-onset seizures (PMID: 28379373, 30619928). ClinVar contains an entry for this variant (Variation ID: 207035). Advanced modeling of protein sequence and biophysical properties (such as structural, functional, and spatial information, amino acid conservation, physicochemical variation, residue mobility, and thermodynamic stability) performed at Invitae indicates that this missense variant is not expected to disrupt SCN2A protein function with a negative predictive value of 95%. In summary, the available evidence is currently insufficient to determine the role of this variant in disease. Therefore, it has been classified as a Variant of Uncertain Significance.

Fulgent Genetics
Classification: Uncertain significance for Seizures, benign familial infantile, 3; Developmental and epileptic encephalopathy, 11. Last evaluated: 2018-10-31. Review status: criteria provided, single submitter. Criteria: ACMG Guidelines, 2015. Collection method: clinical testing. Allele origin: unknown.

Literature cited by the submitters: PubMed 28379373 (cited by Labcorp Genetics (formerly Invitae), Labcorp); PubMed 30619928 (cited by Labcorp Genetics (formerly Invitae), Labcorp).